The following is an entry in ClinVar:

ClinVar aggregate classification (germline): Uncertain significance (1 of 4 stars; one submission).

Conditions:
Familial cancer of breast. Also called: BREAST CANCER, FAMILIAL; hereditary breast carcinoma; Hereditary breast cancer. Identifiers: Orphanet 227535, MedGen C0346153, MONDO:0016419, OMIM 114480. Disease mechanism: loss of function.

Submission:

Labcorp Genetics (formerly Invitae), Labcorp
Classification: Uncertain significance for Familial cancer of breast. Last evaluated: 2018-03-15. Review status: criteria provided, single submitter. Criteria: Invitae Variant Classification Sherloc (09022015). Collection method: clinical testing. Allele origin: germline.
Comment: In summary, the available evidence is currently insufficient to determine the role of this variant in disease. Therefore, it has been classified as a Variant of Uncertain Significance. Algorithms developed to predict the effect of missense changes on protein structure and function output the following: SIFT: "Tolerated"; PolyPhen-2: "Benign"; Align-GVGD: "Class C0". The proline amino acid residue is found in multiple mammalian species, suggesting that this missense change does not adversely affect protein function. These predictions have not been confirmed by published functional studies and their clinical significance is uncertain. This variant has not been reported in the literature in individuals with PALB2-related disease. This variant is not present in population databases (ExAC no frequency). This sequence change replaces threonine with proline at codon 274 of the PALB2 protein (p.Thr274Pro). The threonine residue is moderately conserved and there is a small physicochemical difference between threonine and proline.

NM_024675.4(PALB2):c.820A>C (p.Thr274Pro)

Gene: PALB2 (partner and localizer of BRCA2; minus strand). Cytogenetic location: 16p12.2.
Variant type: single nucleotide variant.
Coding change: c.820A>C on transcript NM_024675.4 (MANE Select); coding-DNA position 820, A replaced by C.
Protein change: p.Thr274Pro; replaces threonine 274 with proline.
Molecular consequence: missense variant.
Genome position (GRCh38, 1-based): chr16:23,635,726, T>G on the plus strand (A>C on the coding strand, the complement: PALB2 is on the minus strand). VCF-style: chr16-23635726-T-G. GRCh37 (hg19) VCF-style: chr16-23647047-T-G.
Other names: short protein forms T274P.
Identifiers: ClinVar variation 580842 (VCV000580842.9), dbSNP rs1567222260, ClinGen allele CA395135973.